The following is an entry in ClinVar:

ClinVar aggregate classification (germline): Uncertain significance (1 of 4 stars; one submission).

Submission:

GeneDx
Classification: Uncertain significance. Last evaluated: 2024-09-24. Review status: criteria provided, single submitter. Criteria: GeneDx Variant Classification Process June 2021. Collection method: clinical testing. Allele origin: germline. Affected: yes.
Comment: Not observed at significant frequency in large population cohorts (gnomAD); In silico analysis indicates that this variant does not alter protein structure/function; Has not been previously published as pathogenic or benign to our knowledge

NM_005585.5(SMAD6):c.81CGG[2] (p.Gly32_Gly33del)

Gene: SMAD6 (SMAD family member 6; plus strand). Cytogenetic location: 15q22.31.
Variant type: Microsatellite.
Coding change: c.81CGG[2] on transcript NM_005585.5 (MANE Select); two copies in a row of the 3-base unit CGG starting at c.81; the reference has four copies in a row; two copies, 6 bases deleted.
Protein change: p.Gly32_Gly33del.
Molecular consequence: non-coding transcript variant (on NR_027654.2).
Genome position (GRCh38, 1-based): chr15:66,703,345-66,703,350, CGGCGG deleted; deleting any 6 consecutive bases within chr15:66,703,338-66,703,350 gives the same sequence; the position shown is the placement nearest the transcript's 3' end. VCF-style (leftmost placement, unchanged base first): chr15-66703337-AGCGGCG-A. GRCh37 (hg19) VCF-style: chr15-66995675-AGCGGCG-A.
Identifiers: ClinVar variation 3774825 (VCV003774825.1).